The following is an entry in ClinVar:

ClinVar aggregate classification (germline): Benign/Likely benign. Review status: criteria provided, multiple submitters, no conflicts (2 of 4 stars). 7 submissions from 7 submitters: Benign (6); Likely benign (1). Last evaluated 2026-02-04.

Conditions:
Spermatogenic failure 18. Identifiers: MedGen C4539783, MONDO:0054615, OMIM 617576.
Ciliary dyskinesia, primary, 37 (CILD37). Also called: CILIARY DYSKINESIA, PRIMARY, 37, WITH OR WITHOUT SITUS INVERSUS. Identifiers: MedGen C4539798, MONDO:0033204, OMIM 617577.

Allele frequency attached by ClinVar (database versions not stated): 1000 Genomes Project 30x 0.00468; 1000 Genomes Project 0.00499; TOPMed 0.00618; ESP Exome Variant Server 0.00684; gnomAD 0.00951 and 0.00959; ExAC 0.01009.
gnomAD v4.1: 17,102 of 1,613,844 alleles (1.1%); highest among the groups gnomAD compares: Middle Eastern, 1.2%; 172 homozygotes.

Submissions (7):

Labcorp Genetics (formerly Invitae), Labcorp
Classification: Benign for Ciliary dyskinesia, primary, 37; Spermatogenic failure 18. Last evaluated: 2026-02-04. Review status: criteria provided, single submitter. Criteria: Invitae Variant Classification Sherloc (09022015). Collection method: clinical testing. Allele origin: germline.

ARUP Laboratories, Molecular Genetics and Genomics, ARUP Laboratories
Classification: Benign. Last evaluated: 2025-07-07. Review status: criteria provided, single submitter. Criteria: ARUP Molecular Germline Variant Investigation Process 2024. Collection method: clinical testing. Allele origin: germline.

Blueprint Genetics
Classification: Likely benign. Last evaluated: 2024-11-25. Review status: criteria provided, single submitter. Criteria: ACMG Guidelines, 2015. Collection method: clinical testing. Allele origin: germline.

CeGaT Center for Human Genetics Tuebingen
Classification: Benign. Last evaluated: 2024-06-01. Review status: criteria provided, single submitter. Criteria: CeGaT Center For Human Genetics Tuebingen Variant Classification Criteria Version 2. Collection method: clinical testing. Allele origin: germline. Affected: yes. Observed: 4 variant alleles.
Comment: DNAH1: BP4, BS1, BS2

Mayo Clinic Laboratories, Mayo Clinic
Classification: Benign. Last evaluated: 2024-02-01. Review status: criteria provided, single submitter. Criteria: ACMG Guidelines, 2015. Collection method: clinical testing. Allele origin: germline. Observed: 6 variant alleles.

GeneDx
Classification: Benign. Last evaluated: 2018-07-09. Review status: criteria provided, single submitter. Criteria: GeneDx Variant Classification Process June 2021. Collection method: clinical testing. Allele origin: germline. Affected: yes.

Breakthrough Genomics
Classification: Benign. Review status: criteria provided, single submitter. Criteria: ACMG Guidelines, 2015. Collection method: not provided. Allele origin: germline. Inheritance: Autosomal recessive inheritance. Affected: yes.

NM_015512.5(DNAH1):c.6191A>G (p.Asn2064Ser)

Gene: DNAH1 (dynein axonemal heavy chain 1; plus strand). Cytogenetic location: 3p21.1.
Variant type: single nucleotide variant.
Coding change: c.6191A>G on transcript NM_015512.5 (MANE Select); coding-DNA position 6191, A replaced by G.
Protein change: p.Asn2064Ser; replaces asparagine 2064 with serine.
Molecular consequence: missense variant.
Genome position (GRCh38, 1-based): chr3:52,370,162, A>G. VCF-style: chr3-52370162-A-G. GRCh37 (hg19) VCF-style: chr3-52404178-A-G.
Other names: p.Asn2064Ser; short protein forms N2064S.
Identifiers: ClinVar variation 478474 (VCV000478474.43), dbSNP rs145673040, ClinGen allele CA2434448.